The following is an entry in ClinVar:

ClinVar aggregate classification (germline): Conflicting classifications of pathogenicity. Review status: criteria provided, conflicting classifications (1 of 4 stars). 3 submissions from 3 submitters: Uncertain significance (1); Likely benign (1). 1 of the submissions does not count toward it. Last evaluated 2026-01-26.

Conditions:
SQSTM1-related disorder. Also called: SQSTM1-Related Disorders.
Frontotemporal dementia and/or amyotrophic lateral sclerosis 1 (FTDALS1). Also called: Frontotemporal dementia with motor neuron disease 1; C9orf72 Frontotemporal Dementia and/or Amyotrophic Lateral Sclerosis. Identifiers: Orphanet 275872, MedGen C5779877, MONDO:0007105, OMIM 105550.
Paget disease of bone 2, early-onset (PDB2). Also called: Paget disease of bone 2. Identifiers: MedGen C4085251, MONDO:0011183, OMIM 602080.

Allele frequency attached by ClinVar (database versions not stated): gnomAD exomes 0.00006 and 0.00023; ExAC 0.00028; gnomAD 0.00034 and 0.00036; ESP Exome Variant Server 0.00038; TOPMed 0.00052; 1000 Genomes Project 0.00080; 1000 Genomes Project 30x 0.00141.

Submissions (3):

Labcorp Genetics (formerly Invitae), Labcorp
Classification: Likely benign for Paget disease of bone 2, early-onset; Frontotemporal dementia and/or amyotrophic lateral sclerosis 1. Last evaluated: 2026-01-26. Review status: criteria provided, single submitter. Criteria: Invitae Variant Classification Sherloc (09022015). Collection method: clinical testing. Allele origin: germline.

GeneDx
Classification: Uncertain significance. Last evaluated: 2025-10-07. Review status: criteria provided, single submitter. Criteria: GeneDx Variant Classification Process June 2021. Collection method: clinical testing. Allele origin: germline. Affected: yes.
Comment: Published functional studies demonstrate a damaging effect on protein function (PMID: 30954537); In silico analysis supports that this missense variant has a deleterious effect on protein structure/function; This variant is associated with the following publications: (PMID: 31325016, 34314817, 24042580, 30954537)

PreventionGenetics, part of Exact Sciences
Classification: Uncertain significance for SQSTM1-related condition. Last evaluated: 2023-12-21. Review status: no assertion criteria provided. Collection method: clinical testing. Allele origin: germline. Not counted in ClinVar's aggregate classification.
Comment: The SQSTM1 c.328C>T variant is predicted to result in the amino acid substitution p.Arg110Cys. This variant was reported in an individual with frontotemporal dementia and Paget disease of bone with a family history of dementia (Le Ber et al. 2013. PubMed ID: 24042580). This variant is reported in 0.13% of alleles in individuals of African descent in gnomAD, which may be too common to be a disease-causing variant. One study that modelled the variant demonstrated reduced phosphorylation of p62, the protein encoded by SQSTM1 (Foster et al. 2019. PubMed ID: 30954537). At this time, the clinical significance of this variant is uncertain due to the absence of conclusive functional and genetic evidence.

NM_003900.5(SQSTM1):c.328C>T (p.Arg110Cys)

Gene: SQSTM1 (sequestosome 1; plus strand). Cytogenetic location: 5q35.3.
Variant type: single nucleotide variant.
Coding change: c.328C>T on transcript NM_003900.5 (MANE Select); coding-DNA position 328, C replaced by T.
Protein change: p.Arg110Cys; replaces arginine 110 with cysteine.
Molecular consequence: missense variant.
Genome position (GRCh38, 1-based): chr5:179,823,884, C>T. VCF-style: chr5-179823884-C-T. GRCh37 (hg19) VCF-style: chr5-179250884-C-T.
Other names: c.76C>T, p.Arg26Cys (NM_001142298.2, NM_001142299.2); short protein forms R110C, R26C.
Identifiers: ClinVar variation 706402 (VCV000706402.16), dbSNP rs139372286, ClinGen allele CA3600472.